The following is an entry in ClinVar:

NM_001354930.2(RIPK1):c.1396A>C (p.Asn466His)

Gene: RIPK1 (receptor interacting serine/threonine kinase 1; plus strand). Cytogenetic location: 6p25.2.
Variant type: single nucleotide variant.
Coding change: c.1396A>C on transcript NM_001354930.2 (MANE Select); coding-DNA position 1396, A replaced by C.
Protein change: p.Asn466His; replaces asparagine 466 with histidine.
Molecular consequence: missense variant.
Genome position (GRCh38, 1-based): chr6:3,105,871, A>C. VCF-style: chr6-3105871-A-C. GRCh37 (hg19) VCF-style: chr6-3106105-A-C.
Other names: c.907A>C, p.Asn303His (NM_001317061.3, NM_001354932.2, NM_001354933.2 and 1 more transcripts); c.1258A>C, p.Asn420His (NM_001354931.2); c.1396A>C, p.Asn466His (NM_003804.6); short protein forms N420H, N303H, N466H.
Identifiers: ClinVar variation 1995059 (VCV001995059.4), dbSNP rs746977143, ClinGen allele CA362572924.
Genomic context (GRCh38, chr6:3,105,871, plus strand): 5'-GGTAATGCAGTGCACCAGCCCTCAGGGCTCACCAGCCAACCTCAAGTACTGTATCAGAAC[A>C]ATGGATTATATAGCTCACATGGCTTTGGAACAAGACCACTGGATCCAGGAACAGCAGGTC-3'
Protein context (NP_001341859.1, residues 456-476): TSQPQVLYQN[Asn466His]GLYSSHGFGT

ClinVar aggregate classification (germline): Uncertain significance (1 of 4 stars; one submission).

Submission:

Labcorp Genetics (formerly Invitae), Labcorp
Classification: Uncertain significance. Last evaluated: 2022-05-16. Review status: criteria provided, single submitter. Criteria: Invitae Variant Classification Sherloc (09022015). Collection method: clinical testing. Allele origin: germline.
Comment: In summary, the available evidence is currently insufficient to determine the role of this variant in disease. Therefore, it has been classified as a Variant of Uncertain Significance. Algorithms developed to predict the effect of missense changes on protein structure and function are either unavailable or do not agree on the potential impact of this missense change (SIFT: "Not Available"; PolyPhen-2: "Benign"; Align-GVGD: "Not Available"). This variant has not been reported in the literature in individuals affected with RIPK1-related conditions. This variant is not present in population databases (gnomAD no frequency). This sequence change replaces asparagine, which is neutral and polar, with histidine, which is basic and polar, at codon 466 of the RIPK1 protein (p.Asn466His).